The following is an entry in ClinVar:

ClinVar aggregate classification (germline): Uncertain significance (1 of 4 stars; one submission).

Conditions:
Neuroblastoma, susceptibility to, 3. Also called: ALK-Related Neuroblastic Tumor Susceptibility. Identifiers: Orphanet 635, MedGen C2751681, MONDO:0013083, OMIM 613014.

Submission:

Labcorp Genetics (formerly Invitae), Labcorp
Classification: Uncertain significance for Neuroblastoma, susceptibility to, 3. Last evaluated: 2017-05-18. Review status: criteria provided, single submitter. Criteria: Invitae Variant Classification Sherloc (09022015). Collection method: clinical testing. Allele origin: germline.
Comment: This sequence change replaces alanine with glutamic acid at codon 541 of the ALK protein (p.Ala541Glu). The alanine residue is highly conserved and there is a moderate physicochemical difference between alanine and glutamic acid. This variant is not present in population databases (ExAC no frequency) and has not been reported in the literature in individuals with a ALK-related disease. Algorithms developed to predict the effect of missense changes on protein structure and function do not agree on the potential impact of this missense change (SIFT: "Deleterious"; PolyPhen-2: "Benign"; Align-GVGD: "Class C0"). In summary, this variant is a novel missense change with uncertain impact on protein function. It has been classified as a Variant of Uncertain Significance.

NM_004304.5(ALK):c.1622C>A (p.Ala541Glu)

Gene: ALK (ALK receptor tyrosine kinase; minus strand). Cytogenetic location: 2p23.2.
Variant type: single nucleotide variant.
Coding change: c.1622C>A on transcript NM_004304.5 (MANE Select); coding-DNA position 1622, C replaced by A.
Protein change: p.Ala541Glu; replaces alanine 541 with glutamic acid.
Molecular consequence: missense variant.
Genome position (GRCh38, 1-based): chr2:29,318,329, G>T on the plus strand (C>A on the coding strand, the complement: ALK is on the minus strand). VCF-style: chr2-29318329-G-T. GRCh37 (hg19) VCF-style: chr2-29541195-G-T.
Other names: short protein forms A541E.
Identifiers: ClinVar variation 470762 (VCV000470762.8), dbSNP rs1553409296, ClinGen allele CA346470969.
Genomic context (GRCh38, chr2:29,318,329, plus strand): 5'-AGAAATTAGAGAACTAGAGAAACAAGGAGACTTGCCTCACATGGAGAGCTCTTGATCGGT[G>T]CAGGAAACGTAGCACTGGTCACTGTAGCACTTTCAGAAGCGGGGACATCAGTGGTACTGA-3'
Protein context (NP_004295.2, residues 531-551): SATVTSATFP[Ala541Glu]PIKSSPCELR